The following is an entry in ClinVar:

ClinVar aggregate classification (germline): Uncertain significance (1 of 4 stars; one submission).

Conditions:
Mucopolysaccharidosis type 1. Also called: IDUA deficiency; MPS I. Identifiers: Orphanet 579, MedGen C0023786, MONDO:0001586.

Allele frequency attached by ClinVar (database versions not stated): TOPMed 0.00001; ExAC 0.00003.
gnomAD v4.1: 3 of 1,575,528 alleles (0.00019%); highest among the groups gnomAD compares: Admixed American, 0.0037%; no homozygotes.

Submission:

Labcorp Genetics (formerly Invitae), Labcorp
Classification: Uncertain significance for Mucopolysaccharidosis type 1. Last evaluated: 2022-07-03. Review status: criteria provided, single submitter. Criteria: Invitae Variant Classification Sherloc (09022015). Collection method: clinical testing. Allele origin: germline.
Comment: This sequence change replaces arginine, which is basic and polar, with cysteine, which is neutral and slightly polar, at codon 375 of the IDUA protein (p.Arg375Cys). This variant is present in population databases (rs761263557, gnomAD 0.004%). This variant has not been reported in the literature in individuals affected with IDUA-related conditions. Algorithms developed to predict the effect of missense changes on protein structure and function output the following: SIFT: "Deleterious"; PolyPhen-2: "Benign"; Align-GVGD: "Class C0". The cysteine amino acid residue is found in multiple mammalian species, which suggests that this missense change does not adversely affect protein function. In summary, the available evidence is currently insufficient to determine the role of this variant in disease. Therefore, it has been classified as a Variant of Uncertain Significance.

NM_000203.5(IDUA):c.1123C>T (p.Arg375Cys)

Gene: IDUA (alpha-L-iduronidase; plus strand). Cytogenetic location: 4p16.3.
Variant type: single nucleotide variant.
Coding change: c.1123C>T on transcript NM_000203.5 (MANE Select); coding-DNA position 1123, C replaced by T.
Protein change: p.Arg375Cys; replaces arginine 375 with cysteine.
Molecular consequence: missense variant. On other transcripts: non-coding transcript variant (1).
Genome position (GRCh38, 1-based): chr4:1,002,419, C>T. VCF-style: chr4-1002419-C-T. GRCh37 (hg19) VCF-style: chr4-996207-C-T.
Other names: c.727C>T, p.Arg243Cys (NM_001363576.1); short protein forms R243C, R375C.
Identifiers: ClinVar variation 2140466 (VCV002140466.1), dbSNP rs761263557, ClinGen allele CA2802196.
Genomic context (GRCh38, chr4:1,002,419, plus strand): 5'-TACCACCCGCACCCCTTCGCGCAGCGCACGCTCACCGCGCGCTTCCAGGTCAACAACACC[C>T]GCCCGCCGCACGTGCAGCTGTTGCGCAAGCCGGTGCTCACGGCCATGGGGCTGCTGGCGC-3'
Protein context (NP_000194.2, residues 365-385): LTARFQVNNT[Arg375Cys]PPHVQLLRKP